The following is an entry in ClinVar:

NM_001563.4(IMPG1):c.539G>C (p.Gly180Ala)

Gene: IMPG1 (interphotoreceptor matrix proteoglycan 1; minus strand). Cytogenetic location: 6q14.1.
Variant type: single nucleotide variant.
Coding change: c.539G>C on transcript NM_001563.4 (MANE Select); coding-DNA position 539, G replaced by C.
Protein change: p.Gly180Ala; replaces glycine 180 with alanine.
Molecular consequence: missense variant.
Genome position (GRCh38, 1-based): chr6:76,025,217, C>G on the plus strand (G>C on the coding strand, the complement: IMPG1 is on the minus strand). VCF-style: chr6-76025217-C-G. GRCh37 (hg19) VCF-style: chr6-76734934-C-G.
Other names: c.305G>C, p.Gly102Ala (NM_001282368.2); short protein forms G102A, G180A.
Identifiers: ClinVar variation 1483064 (VCV001483064.8), dbSNP rs1215734377, ClinGen allele CA364780113.

ClinVar aggregate classification (germline): Uncertain significance (1 of 4 stars; one submission).

Allele frequency attached by ClinVar (database versions not stated): gnomAD exomes below 0.00001.
gnomAD v4.1: 3 of 1,602,518 alleles (0.00019%); highest among the groups gnomAD compares: Non-Finnish European, 0.00026%; no homozygotes.

Submission:

Labcorp Genetics (formerly Invitae), Labcorp
Classification: Uncertain significance. Last evaluated: 2021-06-13. Review status: criteria provided, single submitter. Criteria: Invitae Variant Classification Sherloc (09022015). Collection method: clinical testing. Allele origin: germline.
Comment: In summary, the available evidence is currently insufficient to determine the role of this variant in disease. Therefore, it has been classified as a Variant of Uncertain Significance. Algorithms developed to predict the effect of missense changes on protein structure and function output the following: SIFT: "Tolerated"; PolyPhen-2: "Benign"; Align-GVGD: "Class C0". The alanine amino acid residue is found in multiple mammalian species, suggesting that this missense change does not adversely affect protein function. These predictions have not been confirmed by published functional studies and their clinical significance is uncertain. This variant has not been reported in the literature in individuals with IMPG1-related conditions. This variant is not present in population databases (ExAC no frequency). This sequence change replaces glycine with alanine at codon 180 of the IMPG1 protein (p.Gly180Ala). The glycine residue is weakly conserved and there is a small physicochemical difference between glycine and alanine.